The following is an entry in ClinVar:

NM_015378.4(VPS13D):c.11260C>A (p.Leu3754Ile)

Gene: VPS13D (vacuolar protein sorting 13 homolog D; plus strand). Cytogenetic location: 1p36.22.
Variant type: single nucleotide variant.
Coding change: c.11260C>A on transcript NM_015378.4 (MANE Select); coding-DNA position 11260, C replaced by A.
Protein change: p.Leu3754Ile; replaces leucine 3754 with isoleucine.
Molecular consequence: missense variant.
Genome position (GRCh38, 1-based): chr1:12,383,045, C>A. VCF-style: chr1-12383045-C-A. GRCh37 (hg19) VCF-style: chr1-12443104-C-A.
Other names: c.11185C>A, p.Leu3729Ile (NM_018156.4); short protein forms L3754I, L3729I.
Identifiers: ClinVar variation 2399752 (VCV002399752.5), dbSNP rs771560480, ClinGen allele CA603905.
Genomic context (GRCh38, chr1:12,383,045, plus strand): 5'-GGACTTTCTGGTTTGTTTGATGGAGCTGAAGTTGTTCTTGGTCCTGACACTTCCATGGAG[C>A]TTTTGGGGCCAGTTCCACCTGAACAACAATTTATTAATCAAAAAATGAGACCTGGTTCTG-3'
Protein context (NP_056193.2, residues 3744-3764): VVLGPDTSME[Leu3754Ile]LGPVPPEQQF

ClinVar aggregate classification (germline): Uncertain significance. Review status: criteria provided, multiple submitters, no conflicts (2 of 4 stars). 2 submissions from 2 submitters: Uncertain significance (2). Last evaluated 2024-06-03.

Conditions:
Inborn genetic diseases. Identifiers: MedGen C0950123, MeSH D030342.

Allele frequency attached by ClinVar (database versions not stated): ExAC 0.00001.
gnomAD v4.1: 6 of 1,614,132 alleles (0.00037%); highest among the groups gnomAD compares: African/African-American, 0.0067%; no homozygotes.

Submissions (2):

Labcorp Genetics (formerly Invitae), Labcorp
Classification: Uncertain significance. Last evaluated: 2024-06-03. Review status: criteria provided, single submitter. Criteria: Invitae Variant Classification Sherloc (09022015). Collection method: clinical testing. Allele origin: germline.
Comment: This sequence change replaces leucine, which is neutral and non-polar, with isoleucine, which is neutral and non-polar, at codon 3754 of the VPS13D protein (p.Leu3754Ile). This variant is present in population databases (rs771560480, gnomAD 0.004%). This variant has not been reported in the literature in individuals affected with VPS13D-related conditions. ClinVar contains an entry for this variant (Variation ID: 2399752). Algorithms developed to predict the effect of missense changes on protein structure and function output the following: SIFT: "Not Available"; PolyPhen-2: "Benign"; Align-GVGD: "Not Available". The isoleucine amino acid residue is found in multiple mammalian species, which suggests that this missense change does not adversely affect protein function. In summary, the available evidence is currently insufficient to determine the role of this variant in disease. Therefore, it has been classified as a Variant of Uncertain Significance.

Ambry Genetics
Classification: Uncertain significance for Inborn genetic diseases. Last evaluated: 2022-11-01. Review status: criteria provided, single submitter. Criteria: Ambry Variant Classification Scheme 2023. Collection method: clinical testing. Allele origin: germline.